The following is an entry in ClinVar:

ClinVar aggregate classification (germline): Likely benign. Review status: criteria provided, multiple submitters, no conflicts (2 of 4 stars). 2 submissions from 2 submitters: Likely benign (2). Last evaluated 2024-12-17.

Conditions:
CTNNA1-related disorder. Also called: CTNNA1-related condition.

gnomAD v4.1: 13 of 831,398 alleles (0.0016%); highest among the groups gnomAD compares: Admixed American, 0.017%; no homozygotes.

Submissions (2):

PreventionGenetics, part of Exact Sciences
Classification: Likely benign for CTNNA1-related condition. Last evaluated: 2024-12-17. Review status: criteria provided, single submitter. Criteria: ACMG Guidelines, 2015. Collection method: clinical testing. Allele origin: germline.
Comment: This variant is classified as likely benign based on ACMG/AMP sequence variant interpretation guidelines (Richards et al. 2015 PMID: 25741868, with internal and published modifications).

Blueprint Genetics
Classification: Likely benign. Last evaluated: 2022-02-14. Review status: criteria provided, single submitter. Criteria: ACMG Guidelines, 2015. Collection method: clinical testing. Allele origin: germline.

NM_001903.5(CTNNA1):c.2433+185A>G

Gene: CTNNA1 (catenin alpha 1; plus strand). Cytogenetic location: 5q31.2.
Variant type: single nucleotide variant.
Coding change: c.2433+185A>G on transcript NM_001903.5 (MANE Select); 185 bases into the intron after coding-DNA position 2433, A replaced by G.
Molecular consequence: intron variant. On other transcripts: missense variant (5).
Genome position (GRCh38, 1-based): chr5:138,932,897, A>G. VCF-style: chr5-138932897-A-G. GRCh37 (hg19) VCF-style: chr5-138268586-A-G.
Other names: c.2443A>G, p.Thr815Ala (NM_001290307.3); c.1333A>G, p.Thr445Ala (NM_001324002.1, NM_001324003.1, NM_001324004.1 and 1 more transcripts); c.2433+185A>G (NM_001323982.2, NM_001323984.2, NM_001323985.2 and 1 more transcripts); c.2340+185A>G (NM_001323986.2); c.2064+185A>G (NM_001290310.3); c.2124+185A>G (NM_001290309.3); c.1323+185A>G (NM_001323996.1, NM_001323993.1, NM_001323998.1 and 12 more transcripts); c.984+185A>G (NM_001324007.1, NM_001324008.1, NM_001324010.1 and 2 more transcripts); and 3 more; short protein forms T815A, T445A.
Identifiers: ClinVar variation 4972221 (VCV004972221.2).